The following is an entry in ClinVar:

NM_005726.6(TSFM):c.59C>T (p.Ala20Val)

Gene: TSFM (Ts translation elongation factor, mitochondrial; plus strand). Cytogenetic location: 12q14.1.
Variant type: single nucleotide variant.
Coding change: c.59C>T on transcript NM_005726.6 (MANE Select); coding-DNA position 59, C replaced by T.
Protein change: p.Ala20Val; replaces alanine 20 with valine.
Molecular consequence: missense variant.
Genome position (GRCh38, 1-based): chr12:57,783,111, C>T. VCF-style: chr12-57783111-C-T. GRCh37 (hg19) VCF-style: chr12-58176894-C-T.
Other names: c.59C>T, p.Ala20Val (NM_001172695.2, NM_001172696.2, NM_001172697.2); short protein forms A20V.
Identifiers: ClinVar variation 1327817 (VCV001327817.6), dbSNP rs781607833, ClinGen allele CA6659206.

ClinVar aggregate classification (germline): Uncertain significance. Review status: criteria provided, multiple submitters, no conflicts (2 of 4 stars). 3 submissions from 3 submitters: Uncertain significance (3). Last evaluated 2023-06-28.

Conditions:
Inborn genetic diseases. Identifiers: MedGen C0950123, MeSH D030342.

Allele frequency attached by ClinVar (database versions not stated): gnomAD 0.00003; gnomAD exomes 0.00003 and 0.00005; ExAC 0.00007.
gnomAD v4.1: 51 of 1,608,748 alleles (0.0032%); highest among the groups gnomAD compares: Middle Eastern, 0.017%; 1 homozygote.

Submissions (3):

Ambry Genetics
Classification: Uncertain significance for Inborn genetic diseases. Last evaluated: 2023-06-28. Review status: criteria provided, single submitter. Criteria: Ambry Variant Classification Scheme 2023. Collection method: clinical testing. Allele origin: germline.

Labcorp Genetics (formerly Invitae), Labcorp
Classification: Uncertain significance. Last evaluated: 2022-04-08. Review status: criteria provided, single submitter. Criteria: Invitae Variant Classification Sherloc (09022015). Collection method: clinical testing. Allele origin: germline.
Comment: This sequence change replaces alanine, which is neutral and non-polar, with valine, which is neutral and non-polar, at codon 20 of the TSFM protein (p.Ala20Val). This variant is present in population databases (rs781607833, gnomAD 0.02%). This variant has not been reported in the literature in individuals affected with TSFM-related conditions. ClinVar contains an entry for this variant (Variation ID: 1327817). Algorithms developed to predict the effect of missense changes on protein structure and function output the following: SIFT: "Tolerated"; PolyPhen-2: "Benign"; Align-GVGD: "Class C0". The valine amino acid residue is found in multiple mammalian species, which suggests that this missense change does not adversely affect protein function. Algorithms developed to predict the effect of sequence changes on RNA splicing suggest that this variant may create or strengthen a splice site. In summary, the available evidence is currently insufficient to determine the role of this variant in disease. Therefore, it has been classified as a Variant of Uncertain Significance.

GeneDx
Classification: Uncertain significance. Last evaluated: 2021-12-03. Review status: criteria provided, single submitter. Criteria: GeneDx Variant Classification Process June 2021. Collection method: clinical testing. Allele origin: germline. Affected: yes.
Comment: In silico analysis supports that this missense variant does not alter protein structure/function; Has not been previously published as pathogenic or benign to our knowledge